The following is an entry in ClinVar:

ClinVar aggregate classification (germline): Uncertain significance (1 of 4 stars; one submission).

gnomAD v4.1: 3 of 1,606,980 alleles (0.00019%); highest among the groups gnomAD compares: African/African-American, 0.004%; no homozygotes.

Submission:

Labcorp Genetics (formerly Invitae), Labcorp
Classification: Uncertain significance. Last evaluated: 2025-04-03. Review status: criteria provided, single submitter. Criteria: Invitae Variant Classification Sherloc (09022015). Collection method: clinical testing. Allele origin: germline.
Comment: This sequence change replaces glutamine, which is neutral and polar, with histidine, which is basic and polar, at codon 38 of the CACNA2D4 protein (p.Gln38His). This variant is not present in population databases (gnomAD no frequency). This variant has not been reported in the literature in individuals affected with CACNA2D4-related conditions. An algorithm developed to predict the effect of missense changes on protein structure and function outputs the following: PolyPhen-2: "Benign". The histidine amino acid residue is found in multiple mammalian species, which suggests that this missense change does not adversely affect protein function. In summary, the available evidence is currently insufficient to determine the role of this variant in disease. Therefore, it has been classified as a Variant of Uncertain Significance.

NM_172364.5(CACNA2D4):c.114G>T (p.Gln38His)

Gene: CACNA2D4 (calcium voltage-gated channel auxiliary subunit alpha2delta 4; minus strand). Cytogenetic location: 12p13.33.
Variant type: single nucleotide variant.
Coding change: c.114G>T on transcript NM_172364.5 (MANE Select); coding-DNA position 114, G replaced by T.
Protein change: p.Gln38His; replaces glutamine 38 with histidine.
Molecular consequence: missense variant.
Genome position (GRCh38, 1-based): chr12:1,918,360, C>A on the plus strand (G>T on the coding strand, the complement: CACNA2D4 is on the minus strand). VCF-style: chr12-1918360-C-A. GRCh37 (hg19) VCF-style: chr12-2027526-C-A.
Other names: short protein forms Q38H.
Identifiers: ClinVar variation 4807942 (VCV004807942.1).
Genomic context (GRCh38, chr12:1,918,360, plus strand): 5'-AAGCAGCAGCCACAGGAGGGCCGAGGTCTTCTGCACAAAGGCCCAGGCCACGGGCATTGG[C>A]TGGAGGGGAATCCAGCGGCTGCTGGAGCTGGGGTTTGCGAGGAAGTTGGGAGTTGCAGGC-3'
Protein context (NP_758952.4, residues 28-48): PSSSSRWIPL[Gln38His]PMPVAWAFVQ